The following is an entry in ClinVar:

ClinVar aggregate classification (germline): Pathogenic (1 of 4 stars; one submission).

Conditions:
Chédiak-Higashi syndrome (CHS). Also called: Chediak-Higashi Syndrome. Identifiers: Orphanet 167, MedGen C0007965, MONDO:0008963, OMIM 214500.

Submission:

Labcorp Genetics (formerly Invitae), Labcorp
Classification: Pathogenic for Chédiak-Higashi syndrome. Last evaluated: 2023-04-23. Review status: criteria provided, single submitter. Criteria: Invitae Variant Classification Sherloc (09022015). Collection method: clinical testing. Allele origin: germline.
Comment: This sequence change creates a premature translational stop signal (p.Ser3048Leufs*35) in the LYST gene. It is expected to result in an absent or disrupted protein product. Loss-of-function variants in LYST are known to be pathogenic (PMID: 9215679, 11857544). For these reasons, this variant has been classified as Pathogenic. This variant has not been reported in the literature in individuals affected with LYST-related conditions. This variant is not present in population databases (gnomAD no frequency).

Literature cited by the submitters: PubMed 9215679; PubMed 11857544.

NM_000081.4(LYST):c.9143del (p.Ser3048fs)

Gene: LYST (lysosomal trafficking regulator; minus strand). Cytogenetic location: 1q42.3.
Variant type: Deletion.
Coding change: c.9143del on transcript NM_000081.4 (MANE Select); coding-DNA position 9143, one base deleted (C; older notation c.9143delC).
Protein change: p.Ser3048fs; shifts the reading frame from serine 3048.
Molecular consequence: frameshift variant.
Genome position (GRCh38, 1-based): chr1:235,728,095, G deleted on the plus strand (C on the coding strand, the reverse complement: LYST is on the minus strand). VCF-style (leftmost placement, unchanged base first): chr1-235728094-AG-A. GRCh37 (hg19) VCF-style: chr1-235891394-AG-A.
Other names: c.9143del, p.Ser3048fs (NM_001301365.1); short protein forms S3048fs.
Identifiers: ClinVar variation 2858575 (VCV002858575.3), dbSNP rs2527505914, ClinGen allele CA2739273950.
Genomic context (GRCh38, chr1:235,728,094, plus strand): 5'-CTGTCTAGATTTATGTAAATACAGACTTAAGCCTCTACTCACCGAACTTTCAACTGTATC[AG>A]AAGCATTATCTTCCACAAAATACATTCCACATTTACCTGCAGAAAGTAATTGGATATAAG-3'